The following is an entry in ClinVar:

ClinVar aggregate classification (germline): Likely pathogenic. Review status: criteria provided, single submitter (1 of 4 stars). 2 submissions from 2 submitters: Likely pathogenic (1). 1 of the submissions does not count toward it. Last evaluated 2021-08-03.

Conditions:
Pitt-Hopkins syndrome (PTHS). Also called: ENCEPHALOPATHY, SEVERE EPILEPTIC, WITH AUTONOMIC DYSFUNCTION; MENTAL RETARDATION, SYNDROMAL, WITH INTERMITTENT HYPERVENTILATION. Identifiers: Orphanet 2896, MedGen C1970431, MONDO:0012589, OMIM 610954.

Submissions (2):

Breakthrough Genomics
Classification: Likely pathogenic for Pitt-Hopkins syndrome. Last evaluated: 2021-08-03. Review status: criteria provided, single submitter. Criteria: ACMG Guidelines, 2015. Collection method: clinical testing. Allele origin: germline. Affected: yes.
Comment: This variant is predicted to be damaging by in-silico missense prediction tools (SIFT and Polyphen2). The variant has not been previously reported in the literature.

Mendelics
Classification: Pathogenic for Pitt-Hopkins syndrome. Last evaluated: 2014-05-19. Review status: no assertion criteria provided. Collection method: clinical testing. Allele origin: de novo. Affected: yes. Not counted in ClinVar's aggregate classification.

Literature cited by the submitters: PubMed 22934316 (cited by Mendelics).

NM_001083962.2(TCF4):c.968C>T (p.Ala323Val)

Gene: TCF4 (transcription factor 4; minus strand). Cytogenetic location: 18q21.2.
Variant type: single nucleotide variant.
Coding change: c.968C>T on transcript NM_001083962.2 (MANE Select); coding-DNA position 968, C replaced by T.
Protein change: p.Ala323Val; replaces alanine 323 with valine.
Molecular consequence: missense variant.
Genome position (GRCh38, 1-based): chr18:55,261,488, G>A on the plus strand (C>T on the coding strand, the complement: TCF4 is on the minus strand). VCF-style: chr18-55261488-G-A. GRCh37 (hg19) VCF-style: chr18-52928719-G-A.
Other names: p.Ala252Val; c.1274C>T, p.Ala425Val (NM_001243226.3); c.896C>T, p.Ala299Val (NM_001243227.2, NM_001306207.1, NM_001369575.1 and 9 more transcripts); c.986C>T, p.Ala329Val (NM_001243228.2); c.962C>T, p.Ala321Val (NM_001243230.2); c.842C>T, p.Ala281Val (NM_001243231.2, NM_001348211.2); c.755C>T, p.Ala252Val (NM_001243232.1, NM_001306208.1); c.578C>T, p.Ala193Val (NM_001243233.2, NM_001330605.3, NM_001348212.2 and 1 more transcripts); and 5 more; short protein forms A323V, A107V, A163V, A252V, A298V, A425V, A193V, A281V.
Identifiers: ClinVar variation 208487 (VCV000208487.3), dbSNP rs797045003, ClinGen allele CA275967.